The following is an entry in ClinVar:

ClinVar aggregate classification (germline): Uncertain significance (1 of 4 stars; one submission).

Allele frequency attached by ClinVar (database versions not stated): gnomAD exomes below 0.00001.
gnomAD v4.1: 1 of 1,614,216 alleles (0.000062%); highest among the groups gnomAD compares: Non-Finnish European, 0.000085%; no homozygotes.

Submission:

Labcorp Genetics (formerly Invitae), Labcorp
Classification: Uncertain significance. Last evaluated: 2023-09-09. Review status: criteria provided, single submitter. Criteria: Invitae Variant Classification Sherloc (09022015). Collection method: clinical testing. Allele origin: germline.
Comment: This sequence change replaces glutamine, which is neutral and polar, with proline, which is neutral and non-polar, at codon 2160 of the FLNB protein (p.Gln2160Pro). This variant is not present in population databases (gnomAD no frequency). This variant has not been reported in the literature in individuals affected with FLNB-related conditions. Advanced modeling of protein sequence and biophysical properties (such as structural, functional, and spatial information, amino acid conservation, physicochemical variation, residue mobility, and thermodynamic stability) performed at Invitae indicates that this missense variant is not expected to disrupt FLNB protein function. Algorithms developed to predict the effect of sequence changes on RNA splicing suggest that this variant may disrupt the consensus splice site. In summary, the available evidence is currently insufficient to determine the role of this variant in disease. Therefore, it has been classified as a Variant of Uncertain Significance.

NM_001457.4(FLNB):c.6479A>C (p.Gln2160Pro)

Gene: FLNB (filamin B; plus strand). Cytogenetic location: 3p14.3.
Variant type: single nucleotide variant.
Coding change: c.6479A>C on transcript NM_001457.4 (MANE Select); coding-DNA position 6479, A replaced by C.
Protein change: p.Gln2160Pro; replaces glutamine 2160 with proline.
Molecular consequence: missense variant.
Genome position (GRCh38, 1-based): chr3:58,153,486, A>C. VCF-style: chr3-58153486-A-C. GRCh37 (hg19) VCF-style: chr3-58139213-A-C.
Other names: c.6572A>C, p.Gln2191Pro (NM_001164317.2); c.6446A>C, p.Gln2149Pro (NM_001164318.2); c.6407A>C, p.Gln2136Pro (NM_001164319.2); short protein forms Q2160P, Q2136P, Q2149P, Q2191P.
Identifiers: ClinVar variation 2814666 (VCV002814666.3), dbSNP rs2471223444, ClinGen allele CA353359407.